The following is an entry in ClinVar:

NM_000059.4(BRCA2):c.8463del (p.Ile2822fs)

Gene: BRCA2 (BRCA2 DNA repair associated; plus strand). Cytogenetic location: 13q13.1.
Variant type: Deletion.
Coding change: c.8463del on transcript NM_000059.4 (MANE Select); coding-DNA position 8463, one base deleted (T; older notation c.8463delT).
Protein change: p.Ile2822fs; shifts the reading frame from isoleucine 2822.
Molecular consequence: frameshift variant.
Genome position (GRCh38, 1-based): chr13:32,370,533, T deleted; the last of 2 consecutive T bases (chr13:32,370,532-32,370,533); deleting either gives the same sequence. VCF-style (leftmost placement, unchanged base first): chr13-32370531-AT-A. GRCh37 (hg19) VCF-style: chr13-32944668-AT-A.
Other names: 8691delT; c.8463delT (NM_000059.3, NM_000059.4); short protein forms I2822fs.
Identifiers: ClinVar variation 96867 (VCV000096867.20), dbSNP rs397507988, ClinGen allele CA025656.
Genomic context (GRCh38, chr13:32,370,531, plus strand): 5'-TTTCCTCTGCCCTTATCATCGCTTTTCAGTGATGGAGGAAATGTTGGTTGTGTTGATGTA[AT>A]TATTCAAAGAGCATACCCTATACAGGTATGATGTATTCTTGAAACTTACCATATATTTCT-3'

ClinVar aggregate classification (germline): Pathogenic. Review status: reviewed by expert panel (3 of 4 stars). 8 submissions from 8 submitters: Pathogenic (1). 7 of the submissions do not count toward it. Last evaluated 2016-09-08.

Conditions:
Hereditary cancer-predisposing syndrome. Also called: Hereditary Cancer Syndrome; Neoplastic Syndromes, Hereditary; Hereditary neoplastic syndrome; Tumor predisposition. Identifiers: Orphanet 140162, MedGen C0027672, MeSH D009386, MONDO:0015356.
Hereditary breast ovarian cancer syndrome. Also called: Breast and ovarian cancer; Hereditary breast and/or ovarian cancer syndrome; Hereditary breast and ovarian cancer; Hereditary breast and ovarian cancer syndrome; Hereditary breast and ovarian cancer syndrome (HBOC); BRCA1- and BRCA2-Associated Hereditary Breast and Ovarian Cancer. Identifiers: Orphanet 145, MedGen C0677776, MeSH D061325, MONDO:0003582. Disease mechanism: loss of function.
Breast-ovarian cancer, familial, susceptibility to, 2 (BROVCA2). Also called: BRCA2 Hereditary Breast and Ovarian Cancer. Identifiers: Orphanet 145, MedGen C2675520, MONDO:0012933, OMIM 612555. Disease mechanism: loss of function.

Submissions (8):

Evidence-based Network for the Interpretation of Germline Mutant Alleles (ENIGMA)
Classification: Pathogenic for Breast-ovarian cancer, familial, susceptibility to, 2. Last evaluated: 2016-09-08. Review status: reviewed by expert panel. Criteria: ENIGMA BRCA1/2 Classification Criteria (2015). Collection method: curation. Allele origin: germline.
Comment: Variant allele predicted to encode a truncated non-functional protein.

Women's Health and Genetics/Laboratory Corporation of America, LabCorp
Classification: Pathogenic for Hereditary breast ovarian cancer syndrome. Last evaluated: 2025-12-26. Review status: criteria provided, single submitter. Criteria: LabCorp Variant Classification Summary - May 2015. Collection method: clinical testing. Allele origin: germline. Not counted in ClinVar's aggregate classification.
Comment: Variant summary: BRCA2 c.8463delT (p.Ile2822PhefsX41) results in a premature termination codon, predicted to cause a truncation of the encoded protein or absence of the protein due to nonsense mediated decay, which are commonly known mechanisms for disease. The variant was absent in 251406 control chromosomes. c.8463delT has been observed in individual(s) affected with Hereditary Breast And Ovarian Cancer Syndrome (example: Dong_2021). The following publication has been ascertained in the context of this evaluation (PMID: 34570441). ClinVar contains an entry for this variant (Variation ID: 96867). Based on the evidence outlined above, the variant was classified as pathogenic.

Labcorp Genetics (formerly Invitae), Labcorp
Classification: Pathogenic for Hereditary breast ovarian cancer syndrome. Last evaluated: 2025-07-30. Review status: criteria provided, single submitter. Criteria: Invitae Variant Classification Sherloc (09022015). Collection method: clinical testing. Allele origin: germline. Not counted in ClinVar's aggregate classification.
Comment: This sequence change creates a premature translational stop signal (p.Ile2822Phefs*41) in the BRCA2 gene. It is expected to result in an absent or disrupted protein product. Loss-of-function variants in BRCA2 are known to be pathogenic (PMID: 20104584). This variant is not present in population databases (gnomAD no frequency). This variant has not been reported in the literature in individuals affected with BRCA2-related conditions. ClinVar contains an entry for this variant (Variation ID: 96867). For these reasons, this variant has been classified as Pathogenic.

Ambry Genetics
Classification: Pathogenic for Hereditary cancer-predisposing syndrome. Last evaluated: 2023-05-08. Review status: criteria provided, single submitter. Criteria: Ambry Variant Classification Scheme 2023. Collection method: clinical testing. Allele origin: germline. Not counted in ClinVar's aggregate classification.
Comment: The c.8463delT pathogenic mutation, located in coding exon 18 of the BRCA2 gene, results from a deletion of one nucleotide at nucleotide position 8463, causing a translational frameshift with a predicted alternate stop codon (p.I2822Ffs*41). This alteration is expected to result in loss of function by premature protein truncation or nonsense-mediated mRNA decay. As such, this alteration is interpreted as a disease-causing mutation.

Color Diagnostics, LLC DBA Color Health
Classification: Pathogenic for Hereditary cancer-predisposing syndrome. Last evaluated: 2022-03-17. Review status: criteria provided, single submitter. Criteria: ACMG Guidelines, 2015. Collection method: clinical testing. Allele origin: germline. Not counted in ClinVar's aggregate classification.
Comment: This variant deletes 1 nucleotide in exon 19 of the BRCA2 gene, creating a frameshift and premature translation stop signal. This variant is expected to result in an absent or non-functional protein product. To our knowledge, this variant has not been reported in individuals affected with hereditary cancer in the literature. This variant has not been identified in the general population by the Genome Aggregation Database (gnomAD). Loss of BRCA2 function is a known mechanism of disease. Based on the available evidence, this variant is classified as Pathogenic.

Quest Diagnostics Nichols Institute San Juan Capistrano
Classification: Likely pathogenic. Last evaluated: 2020-10-16. Review status: criteria provided, single submitter. Criteria: Quest Diagnostics criteria. Collection method: clinical testing. Allele origin: unknown. Not counted in ClinVar's aggregate classification.
Comment: This frameshift variant is predicted to cause the premature termination of BRCA2 protein synthesis. To the best of our knowledge, the variant has not been reported in the published literature. This variant has not been reported in large, multi-ethnic general populations. Based on the available information, we predict that the variant is likely pathogenic.

BRCAlab, Lund University
Classification: Pathogenic for Breast-ovarian cancer, familial, susceptibility to, 2. Last evaluated: 2020-03-02. Review status: no assertion criteria provided. Collection method: clinical testing. Allele origin: germline. Affected: yes. Not counted in ClinVar's aggregate classification.

Sharing Clinical Reports Project (SCRP)
Classification: Pathogenic for Breast-ovarian cancer, familial 2. Last evaluated: 2012-05-01. Review status: no assertion criteria provided. Collection method: clinical testing. Allele origin: germline. Not counted in ClinVar's aggregate classification.

Literature cited by the submitters: PubMed 34570441 (cited by Women's Health and Genetics/Laboratory Corporation of America, LabCorp); PubMed 20104584 (cited by Labcorp Genetics (formerly Invitae), Labcorp).